The following is an entry in ClinVar:

NM_000540.3(RYR1):c.5390G>A (p.Arg1797His)

Gene: RYR1 (ryanodine receptor 1; plus strand). Cytogenetic location: 19q13.2.
Variant type: single nucleotide variant.
Coding change: c.5390G>A on transcript NM_000540.3 (MANE Select); coding-DNA position 5390, G replaced by A.
Protein change: p.Arg1797His; replaces arginine 1797 with histidine.
Molecular consequence: missense variant.
Genome position (GRCh38, 1-based): chr19:38,486,045, G>A. VCF-style: chr19-38486045-G-A. GRCh37 (hg19) VCF-style: chr19-38976685-G-A.
Other names: c.5390G>A, p.Arg1797His (NM_001042723.2); short protein forms R1797H.
Identifiers: ClinVar variation 1399508 (VCV001399508.8), dbSNP rs2145544735, ClinGen allele CA405654985.

ClinVar aggregate classification (germline): Uncertain significance (1 of 4 stars; one submission).

Conditions:
RYR1-related disorder. Also called: RYR1-related condition; RYR1-related disorders. Identifiers: MedGen CN239331.

gnomAD v4.1: 3 of 1,612,720 alleles (0.00019%); highest among the groups gnomAD compares: Non-Finnish European, 0.00025%; no homozygotes.

Submission:

Labcorp Genetics (formerly Invitae), Labcorp
Classification: Uncertain significance for RYR1-related disorder. Last evaluated: 2021-03-28. Review status: criteria provided, single submitter. Criteria: Invitae Variant Classification Sherloc (09022015). Collection method: clinical testing. Allele origin: germline.
Comment: In summary, the available evidence is currently insufficient to determine the role of this variant in disease. Therefore, it has been classified as a Variant of Uncertain Significance. Advanced modeling of protein sequence and biophysical properties (such as structural, functional, and spatial information, amino acid conservation, physicochemical variation, residue mobility, and thermodynamic stability) performed at Invitae indicates that this missense variant is not expected to disrupt RYR1 protein function. This variant has not been reported in the literature in individuals with RYR1-related conditions. This variant is not present in population databases (ExAC no frequency). This sequence change replaces arginine with histidine at codon 1797 of the RYR1 protein (p.Arg1797His). The arginine residue is moderately conserved and there is a small physicochemical difference between arginine and histidine.